The following is an entry in ClinVar:

NM_001244008.2(KIF1A):c.2022+3G>A

Gene: KIF1A (kinesin family member 1A; minus strand). Cytogenetic location: 2q37.3.
Variant type: single nucleotide variant.
Coding change: c.2022+3G>A on transcript NM_001244008.2 (MANE Select); 3 bases into the intron after coding-DNA position 2022, G replaced by A.
Molecular consequence: intron variant.
Genome position (GRCh38, 1-based): chr2:240,763,016, C>T on the plus strand (G>A on the coding strand, the complement: KIF1A is on the minus strand). VCF-style: chr2-240763016-C-T. GRCh37 (hg19) VCF-style: chr2-241702433-C-T.
Other names: c.1995+3G>A (NM_001379653.1, NM_001379650.1, NM_001379645.1 and 10 more transcripts); c.2097+3G>A (NM_001379635.1, NM_001330290.2, NM_001379646.1 and 2 more transcripts); c.2070+3G>A (NM_001379637.1, NM_001379648.1); c.2022+3G>A (NM_001320705.2, NM_001379638.1, NM_001330289.2).
Identifiers: ClinVar variation 1522313 (VCV001522313.7), dbSNP rs566702367, ClinGen allele CA68173085.

ClinVar aggregate classification (germline): Uncertain significance. Review status: criteria provided, multiple submitters, no conflicts (2 of 4 stars). 4 submissions from 2 submitters: Uncertain significance (4). Last evaluated 2024-08-12.

Conditions:
Intellectual disability, autosomal dominant 9 (NESCAVS). Also called: NESCAV SYNDROME; KIF1A-Related Neurodevelopmental Disorder. Identifiers: Orphanet 662367, MedGen C5393830, MONDO:0013656, OMIM 614255.
Hereditary spastic paraplegia 30. Identifiers: Orphanet 101010, MedGen C5235139, MONDO:0012476.
Neuropathy, hereditary sensory, type 2C. Also called: Hereditary sensory and autonomic neuropathy type IIC; KIF1A-Related HSAN2 (HSAN2C). Identifiers: Orphanet 970, MedGen C3280168, MONDO:0013634, OMIM 614213.

Allele frequency attached by ClinVar (database versions not stated): 1000 Genomes Project 0.00020; 1000 Genomes Project 30x 0.00031; gnomAD 0.00001; TOPMed 0.00001.
gnomAD v4.1: 4 of 1,495,590 alleles (0.00027%); highest among the groups gnomAD compares: Non-Finnish European, 0.00036%; no homozygotes.

Submissions (4):

Labcorp Genetics (formerly Invitae), Labcorp
Classification: Uncertain significance for Hereditary spastic paraplegia 30; Neuropathy, hereditary sensory, type 2C; Intellectual disability, autosomal dominant 9. Last evaluated: 2024-08-12. Review status: criteria provided, single submitter. Criteria: Invitae Variant Classification Sherloc (09022015). Collection method: clinical testing. Allele origin: germline.
Comment: This sequence change falls in intron 20 of the KIF1A gene. It does not directly change the encoded amino acid sequence of the KIF1A protein. It affects a nucleotide within the consensus splice site. This variant is not present in population databases (gnomAD no frequency). This variant has not been reported in the literature in individuals affected with KIF1A-related conditions. ClinVar contains an entry for this variant (Variation ID: 1522313). Variants that disrupt the consensus splice site are a relatively common cause of aberrant splicing (PMID: 17576681, 9536098). Algorithms developed to predict the effect of sequence changes on RNA splicing suggest that this variant is not likely to affect RNA splicing. In summary, the available evidence is currently insufficient to determine the role of this variant in disease. Therefore, it has been classified as a Variant of Uncertain Significance.

Baylor Genetics
Classification: Uncertain significance for Neuropathy, hereditary sensory, type 2C. Last evaluated: 2023-11-16. Review status: criteria provided, single submitter. Criteria: ACMG Guidelines, 2015. Collection method: clinical testing. Allele origin: unknown.

Baylor Genetics
Classification: Uncertain significance for Intellectual disability, autosomal dominant 9. Last evaluated: 2023-11-16. Review status: criteria provided, single submitter. Criteria: ACMG Guidelines, 2015. Collection method: clinical testing. Allele origin: unknown.

Baylor Genetics
Classification: Uncertain significance for Spastic paraplegia 30A, autosomal dominant. Last evaluated: 2023-11-16. Review status: criteria provided, single submitter. Criteria: ACMG Guidelines, 2015. Collection method: clinical testing. Allele origin: unknown.

Literature cited by the submitters: PubMed 17576681 (cited by Labcorp Genetics (formerly Invitae), Labcorp); PubMed 9536098 (cited by Labcorp Genetics (formerly Invitae), Labcorp).